The following is an entry in ClinVar:

NM_020964.3(EPG5):c.1867C>A (p.Leu623Ile)

Gene: EPG5 (ectopic P-granules 5 autophagy tethering factor; minus strand). Cytogenetic location: 18q21.1.
Variant type: single nucleotide variant.
Coding change: c.1867C>A on transcript NM_020964.3 (MANE Select); coding-DNA position 1867, C replaced by A.
Protein change: p.Leu623Ile; replaces leucine 623 with isoleucine.
Molecular consequence: missense variant.
Genome position (GRCh38, 1-based): chr18:45,943,237, G>T on the plus strand (C>A on the coding strand, the complement: EPG5 is on the minus strand). VCF-style: chr18-45943237-G-T. GRCh37 (hg19) VCF-style: chr18-43523203-G-T.
Other names: short protein forms L623I.
Identifiers: ClinVar variation 858943 (VCV000858943.6), dbSNP rs572756147, ClinGen allele CA8949587.

ClinVar aggregate classification (germline): Conflicting classifications of pathogenicity. Review status: criteria provided, conflicting classifications (1 of 4 stars). 2 submissions from 2 submitters: Uncertain significance (1); Likely benign (1). Last evaluated 2024-07-02.

Conditions:
Vici syndrome (VICIS). Identifiers: Orphanet 1493, MedGen C1855772, MONDO:0009452, OMIM 242840.
Inborn genetic diseases. Identifiers: MedGen C0950123, MeSH D030342.

Allele frequency attached by ClinVar (database versions not stated): gnomAD below 0.00001 and 0.00006; TOPMed 0.00002; gnomAD exomes 0.00010 and 0.00023; ExAC 0.00027; 1000 Genomes Project 30x 0.00062; 1000 Genomes Project 0.00080.

Submissions (2):

Ambry Genetics
Classification: Likely benign for Inborn genetic diseases. Last evaluated: 2024-07-02. Review status: criteria provided, single submitter. Criteria: Ambry Variant Classification Scheme 2023. Collection method: clinical testing. Allele origin: germline.

Labcorp Genetics (formerly Invitae), Labcorp
Classification: Uncertain significance for Vici syndrome. Last evaluated: 2022-07-06. Review status: criteria provided, single submitter. Criteria: Invitae Variant Classification Sherloc (09022015). Collection method: clinical testing. Allele origin: germline.
Comment: This sequence change replaces leucine, which is neutral and non-polar, with isoleucine, which is neutral and non-polar, at codon 623 of the EPG5 protein (p.Leu623Ile). This variant is present in population databases (rs572756147, gnomAD 0.2%). This variant has not been reported in the literature in individuals affected with EPG5-related conditions. ClinVar contains an entry for this variant (Variation ID: 858943). Algorithms developed to predict the effect of missense changes on protein structure and function are either unavailable or do not agree on the potential impact of this missense change (SIFT: "Tolerated"; PolyPhen-2: "Probably Damaging"; Align-GVGD: "Class C0"). In summary, the available evidence is currently insufficient to determine the role of this variant in disease. Therefore, it has been classified as a Variant of Uncertain Significance.